The following is an entry in ClinVar:

NM_001572.5(IRF7):c.431C>G (p.Pro144Arg)

Gene: IRF7 (interferon regulatory factor 7; minus strand). Cytogenetic location: 11p15.5.
Variant type: single nucleotide variant.
Coding change: c.431C>G on transcript NM_001572.5 (MANE Select); coding-DNA position 431, C replaced by G.
Protein change: p.Pro144Arg; replaces proline 144 with arginine.
Molecular consequence: missense variant.
Genome position (GRCh38, 1-based): chr11:614,498, G>C on the plus strand (C>G on the coding strand, the complement: IRF7 is on the minus strand). VCF-style: chr11-614498-G-C. GRCh37 (hg19) VCF-style: chr11-614498-G-C.
Other names: c.431C>G, p.Pro144Arg (NM_004029.4); c.470C>G, p.Pro157Arg (NM_004031.4); short protein forms P157R, P144R.
Identifiers: ClinVar variation 1474912 (VCV001474912.8), dbSNP rs1379641911, ClinGen allele CA378982568.

ClinVar aggregate classification (germline): Uncertain significance (1 of 4 stars; one submission).

Conditions:
Immunodeficiency 39 (IMD39). Identifiers: Orphanet 574918, MedGen C4225358, MONDO:0014597, OMIM 616345.

Submission:

Labcorp Genetics (formerly Invitae), Labcorp
Classification: Uncertain significance for Immunodeficiency 39. Last evaluated: 2024-05-01. Review status: criteria provided, single submitter. Criteria: Invitae Variant Classification Sherloc (09022015). Collection method: clinical testing. Allele origin: germline.
Comment: This sequence change replaces proline, which is neutral and non-polar, with arginine, which is basic and polar, at codon 157 of the IRF7 protein (p.Pro157Arg). This variant is not present in population databases (gnomAD no frequency). This variant has not been reported in the literature in individuals affected with IRF7-related conditions. ClinVar contains an entry for this variant (Variation ID: 1474912). Advanced modeling of protein sequence and biophysical properties (such as structural, functional, and spatial information, amino acid conservation, physicochemical variation, residue mobility, and thermodynamic stability) performed at Invitae indicates that this missense variant is not expected to disrupt IRF7 protein function with a negative predictive value of 80%. In summary, the available evidence is currently insufficient to determine the role of this variant in disease. Therefore, it has been classified as a Variant of Uncertain Significance.